The following is an entry in ClinVar:

ClinVar aggregate classification (germline): Uncertain significance. Review status: criteria provided, multiple submitters, no conflicts (2 of 4 stars). 2 submissions from 2 submitters: Uncertain significance (2). Last evaluated 2021-08-23.

Conditions:
Hereditary cancer-predisposing syndrome. Also called: Neoplastic Syndromes, Hereditary; Hereditary Cancer Syndrome; Tumor predisposition; Hereditary neoplastic syndrome. Identifiers: Orphanet 140162, MedGen C0027672, MeSH D009386, MONDO:0015356.

Allele frequency attached by ClinVar (database versions not stated): gnomAD 0.00001; TOPMed 0.00002.

Submissions (2):

Sema4
Classification: Uncertain significance for Hereditary cancer-predisposing syndrome. Last evaluated: 2021-08-23. Review status: criteria provided, single submitter. Criteria: Sema4 Curation Guidelines. Collection method: curation. Allele origin: germline.
Comment: The BRCA2 c.-88G>T variant has been reported in heterozygosity in at least one individual with hereditary breast and/or ovarian cancer (PMID: 29236234). This variant involves a not conserved position within a non-coding region of the BRCA2 gene. This variant was observed in 1/31394 chromosomes in the large and broad cohorts of the Genome Aggregation Database (PMID: 32461654). The variant has been reported in ClinVar (Variation ID: 993212). Functional studies have not been performed, and in silico predictions are not available. The evidence is insufficient to meet ACMG/AMP criteria for classifying the variant as benign or pathogenic. Thus, the clinical significance of this variant is currently uncertain.

Quest Diagnostics Nichols Institute San Juan Capistrano
Classification: Uncertain significance. Last evaluated: 2020-03-20. Review status: criteria provided, single submitter. Criteria: Quest Diagnostics criteria. Collection method: clinical testing. Allele origin: unknown.

Literature cited by the submitters: PubMed 29236234 (cited by Sema4).

NM_000059.4(BRCA2):c.-88G>T

Genes: BRCA2 (BRCA2 DNA repair associated; plus strand), LOC106721785 (BRCA2 promoter/silencer region; plus strand). Cytogenetic location: 13q13.1.
Variant type: single nucleotide variant.
Coding change: c.-88G>T on transcript NM_000059.4 (MANE Select); 88 bases upstream of the start codon, G replaced by T.
Molecular consequence: 5 prime UTR variant.
Genome position (GRCh38, 1-based): chr13:32,315,619, G>T. VCF-style: chr13-32315619-G-T. GRCh37 (hg19) VCF-style: chr13-32889756-G-T.
Identifiers: ClinVar variation 993212 (VCV000993212.2), dbSNP rs917232759, ClinGen allele CA247478100.
Genomic context (GRCh38, chr13:32,315,619, plus strand): 5'-TTTTGCGGCGGTGGGTCGCCGCCGGGAGAAGCGTGAGGGGACAGATTTGTGACCGGCGCG[G>T]TTTTTGTCAGCTTACTCCGGCCAAAAAAGAACTGCACCTCTGGAGCGGGTTAGTGGTGGT-3'